The following is an entry in ClinVar:

NM_005334.3(HCFC1):c.5517C>T (p.Asp1839=)

Gene: HCFC1 (host cell factor C1; minus strand). Cytogenetic location: Xq28.
Variant type: single nucleotide variant.
Coding change: c.5517C>T on transcript NM_005334.3 (MANE Select); coding-DNA position 5517, C replaced by T.
Protein change: p.Asp1839=; no amino-acid change (aspartic acid 1839 retained).
Molecular consequence: synonymous variant.
Genome position (GRCh38, 1-based): chrX:153,951,350, G>A on the plus strand (C>T on the coding strand, the complement: HCFC1 is on the minus strand). VCF-style: chrX-153951350-G-A. GRCh37 (hg19) VCF-style: chrX-153216801-G-A.
Identifiers: ClinVar variation 382605 (VCV000382605.26), dbSNP rs782063013, ClinGen allele CA10556768.

ClinVar aggregate classification (germline): Benign/Likely benign. Review status: criteria provided, multiple submitters, no conflicts (2 of 4 stars). 4 submissions from 4 submitters: Benign (1); Likely benign (3). Last evaluated 2024-07-01.

Conditions:
Methylmalonic acidemia with homocystinuria, type cblX (MAHCX). Also called: INTELLECTUAL DEVELOPMENTAL DISORDER, X-LINKED 3. Identifiers: Orphanet 369962, MedGen C0796208, MONDO:0010657, OMIM 309541.

Allele frequency attached by ClinVar (database versions not stated): gnomAD 0.00002 and 0.00006; gnomAD exomes 0.00007 and 0.00014; ExAC 0.00020; 1000 Genomes Project 0.00106; 1000 Genomes Project 30x 0.00125.
gnomAD v4.1: 81 of 1,209,492 alleles (0.0067%); highest among the groups gnomAD compares: South Asian, 0.13%; no homozygotes.

Submissions (4):

CeGaT Center for Human Genetics Tuebingen
Classification: Likely benign. Last evaluated: 2024-07-01. Review status: criteria provided, single submitter. Criteria: CeGaT Center For Human Genetics Tuebingen Variant Classification Criteria Version 2. Collection method: clinical testing. Allele origin: germline. Affected: yes. Observed: 1 variant allele.
Comment: HCFC1: BP4, BP7, BS2

Labcorp Genetics (formerly Invitae), Labcorp
Classification: Benign for Methylmalonic acidemia with homocystinuria, type cblX. Last evaluated: 2024-02-05. Review status: criteria provided, single submitter. Criteria: Invitae Variant Classification Sherloc (09022015). Collection method: clinical testing. Allele origin: germline.

Genetic Services Laboratory, University of Chicago
Classification: Likely benign. Last evaluated: 2016-07-14. Review status: criteria provided, single submitter. Criteria: ACMG Guidelines, 2015. Collection method: clinical testing. Allele origin: germline. Affected: no.

GeneDx
Classification: Likely benign. Last evaluated: 2016-02-15. Review status: criteria provided, single submitter. Criteria: GeneDx Variant Classification (06012015). Collection method: clinical testing. Allele origin: germline. Affected: yes.
Comment: This variant is considered likely benign or benign based on one or more of the following criteria: it is a conservative change, it occurs at a poorly conserved position in the protein, it is predicted to be benign by multiple in silico algorithms, and/or has population frequency not consistent with disease.